The following is an entry in ClinVar:

ClinVar aggregate classification (germline): Uncertain significance. Review status: criteria provided, multiple submitters, no conflicts (2 of 4 stars). 3 submissions from 3 submitters: Uncertain significance (3). Last evaluated 2025-06-17.

Conditions:
Congenital heart defects and ectodermal dysplasia (CHDED). Identifiers: MedGen C4479250, MONDO:0044303, OMIM 617364.

Allele frequency attached by ClinVar (database versions not stated): gnomAD exomes below 0.00001; TOPMed below 0.00001; ExAC 0.00001; gnomAD 0.00001.
gnomAD v4.1: 7 of 1,613,630 alleles (0.00043%); highest among the groups gnomAD compares: Admixed American, 0.0017%; no homozygotes.

Submissions (3):

Women's Health and Genetics/Laboratory Corporation of America, LabCorp
Classification: Uncertain significance. Last evaluated: 2025-06-17. Review status: criteria provided, single submitter. Criteria: LabCorp Variant Classification Summary - May 2015. Collection method: clinical testing. Allele origin: germline.
Comment: Variant summary: PRKD1 c.2219G>A (p.Arg740Gln) results in a conservative amino acid change in the encoded protein sequence. Algorithms developed to predict the effect of missense changes on protein structure and function are either unavailable or do not agree on the potential impact of this missense change. The variant allele was found at a frequency of 4e-06 in 250228 control chromosomes. The available data on variant occurrences in the general population are insufficient to allow any conclusion about variant significance. c.2219G>A has been observed in individual(s) affected with Congenital Heart Defects (e.g. Slavotinek_2024). These report(s) do not provide unequivocal conclusions about association of the variant with Congenital Heart Defects And Ectodermal Dysplasia. To our knowledge, no experimental evidence demonstrating an impact on protein function has been reported. The following publication has been ascertained in the context of this evaluation (PMID: 38521975). ClinVar contains an entry for this variant (Variation ID: 998171). Based on the evidence outlined above, the variant was classified as uncertain significance.

New York Genome Center
Classification: Uncertain significance for Congenital heart defects and ectodermal dysplasia. Last evaluated: 2021-08-12. Review status: criteria provided, single submitter. Criteria: NYGC Assertion Criteria 2020. Collection method: clinical testing. Allele origin: germline. Observed: 1 heterozygote. Study: CSER-NYCKidSeq.

HudsonAlpha Institute for Biotechnology
Classification: Uncertain significance for Congenital heart defects and ectodermal dysplasia. Last evaluated: 2021-02-19. Review status: criteria provided, single submitter. Criteria: ACMG Guidelines, 2015. Collection method: research. Allele origin: de novo. Observed: 1 variant allele. Study: CSER-SouthSeq.
Comment: ACMG codes:PM2, PP3

Literature cited by the submitters: PubMed 38521975 (cited by Women's Health and Genetics/Laboratory Corporation of America, LabCorp).

NM_002742.3(PRKD1):c.2219G>A (p.Arg740Gln)

Gene: PRKD1 (protein kinase D1; minus strand). Cytogenetic location: 14q12.
Variant type: single nucleotide variant.
Coding change: c.2219G>A on transcript NM_002742.3 (MANE Select); coding-DNA position 2219, G replaced by A.
Protein change: p.Arg740Gln; replaces arginine 740 with glutamine.
Molecular consequence: missense variant.
Genome position (GRCh38, 1-based): chr14:29,597,706, C>T on the plus strand (G>A on the coding strand, the complement: PRKD1 is on the minus strand). VCF-style: chr14-29597706-C-T. GRCh37 (hg19) VCF-style: chr14-30066912-C-T.
Other names: c.2243G>A, p.Arg748Gln (NM_001330069.2); c.1955G>A, p.Arg652Gln (NM_001348390.1); short protein forms R652Q, R740Q, R748Q.
Identifiers: ClinVar variation 998171 (VCV000998171.4), dbSNP rs752897300, ClinGen allele CA7140938.
Genomic context (GRCh38, chr14:29,597,706, plus strand): 5'-TAGCCCTTGTTCCTTAGGACCTCAGGAGCCAGGTAAGCGGGGGTACCCACCACTGACCTC[C>T]GGAAAGACTTCTCTCCAATGATCCGGGCAAAACCAAAATCACAAAGTTTCACCTGTTGAT-3'
Protein context (NP_002733.2, residues 730-750): FARIIGEKSF[Arg740Gln]RSVVGTPAYL